The following is an entry in ClinVar:

ClinVar aggregate classification (germline): Uncertain significance. Review status: criteria provided, multiple submitters, no conflicts (2 of 4 stars). 6 submissions from 4 submitters: Uncertain significance (6). Last evaluated 2025-12-15.

Conditions:
Inborn genetic diseases. Identifiers: MedGen C0950123, MeSH D030342.
Malignant hyperthermia, susceptibility to, 1 (MHS1). Also called: RYR1-Related Malignant Hyperthermia Susceptibility; Anesthesia related hyperthermia; Malignant hyperpyrexia; Fulminating hyperpyrexia; Pharmacogenic myopathy; Malignant hyperthermia suceptibility 1. Identifiers: Orphanet 423, MedGen C2930980, MONDO:0007783, OMIM 145600.
Central core myopathy (CMYO1A). Also called: CONGENITAL MYOPATHY 1A, AUTOSOMAL DOMINANT, WITH SUSCEPTIBILITY TO MALIGNANT HYPERTHERMIA; Central core disease; Myopathy, central fibrillar. Identifiers: Orphanet 597, MedGen C5830701, MONDO:0007294, OMIM 117000.
Congenital multicore myopathy with external ophthalmoplegia (CMYO1B). Also called: MULTICORE MYOPATHY; Congenital myopathy 1B, autosomal recessive; Minicore myopathy; MULTIMINICORE DISEASE WITH EXTERNAL OPHTHALMOPLEGIA; Minicore myopathy with external ophthalmoplegia. Identifiers: Orphanet 598, Orphanet 98905, MedGen C1850674, MONDO:0009712, OMIM 255320, HP:0003789.
RYR1-related disorder. Also called: RYR1-related condition; RYR1-related disorders. Identifiers: MedGen CN239331.

Allele frequency attached by ClinVar (database versions not stated): TOPMed below 0.00001.
gnomAD v4.1: 3 of 1,614,146 alleles (0.00019%); highest among the groups gnomAD compares: Non-Finnish European, 0.00025%; no homozygotes.

Submissions (6):

Ambry Genetics
Classification: Uncertain significance for Inborn genetic diseases. Last evaluated: 2025-12-15. Review status: criteria provided, single submitter. Criteria: Ambry Variant Classification Scheme 2023. Collection method: clinical testing. Allele origin: germline.

All of Us Research Program, National Institutes of Health
Classification: Uncertain significance for Malignant hyperthermia, susceptibility to, 1. Last evaluated: 2023-10-02. Review status: criteria provided, single submitter. Criteria: ACMG Guidelines, 2015. Collection method: clinical testing. Allele origin: germline. Inheritance: Autosomal dominant inheritance. Observed: 1 variant allele, 1 heterozygote.
Comment: This missense variant replaces glycine with alanine at codon 2681 of the RYR1 protein. Computational prediction suggests that this variant may have deleterious impact on protein structure and function (internally defined REVEL score threshold >= 0.7, PMID: 27666373). To our knowledge, functional studies have not been reported for this variant. This variant has not been reported in individuals affected with RYR1-related disorders in the literature. This variant has not been identified in the general population by the Genome Aggregation Database (gnomAD). The available evidence is insufficient to determine the role of this variant in disease conclusively. Therefore, this variant is classified as a Variant of Uncertain Significance.

This study involves interpretation of variants in research participants for the purpose of population health screening. Participant phenotype was not available at the time of variant classification. Additional details can be found in publication PMID: 35346344, PMCID: PMC8962531

Labcorp Genetics (formerly Invitae), Labcorp
Classification: Uncertain significance for RYR1-related disorder. Last evaluated: 2021-09-18. Review status: criteria provided, single submitter. Criteria: Invitae Variant Classification Sherloc (09022015). Collection method: clinical testing. Allele origin: germline.
Comment: This sequence change replaces glycine with alanine at codon 2681 of the RYR1 protein (p.Gly2681Ala). The glycine residue is highly conserved and there is a small physicochemical difference between glycine and alanine. This variant is not present in population databases (ExAC no frequency). This variant has not been reported in the literature in individuals affected with RYR1-related conditions. ClinVar contains an entry for this variant (Variation ID: 890932). Algorithms developed to predict the effect of missense changes on protein structure and function are either unavailable or do not agree on the potential impact of this missense change (SIFT: "Deleterious"; PolyPhen-2: "Benign"; Align-GVGD: "Class C0"). In summary, the available evidence is currently insufficient to determine the role of this variant in disease. Therefore, it has been classified as a Variant of Uncertain Significance.

Illumina Laboratory Services, Illumina
Classification: Uncertain significance for Congenital multicore myopathy with external ophthalmoplegia. Last evaluated: 2018-01-13. Review status: criteria provided, single submitter. Criteria: ICSL Variant Classification Criteria 13 December 2019. Collection method: clinical testing. Allele origin: germline.

Illumina Laboratory Services, Illumina
Classification: Uncertain significance for Central core myopathy. Last evaluated: 2018-01-13. Review status: criteria provided, single submitter. Criteria: ICSL Variant Classification Criteria 13 December 2019. Collection method: clinical testing. Allele origin: germline.

Illumina Laboratory Services, Illumina
Classification: Uncertain significance for Malignant hyperthermia, susceptibility to, 1. Last evaluated: 2018-01-13. Review status: criteria provided, single submitter. Criteria: ICSL Variant Classification Criteria 13 December 2019. Collection method: clinical testing. Allele origin: germline.

NM_000540.3(RYR1):c.8042G>C (p.Gly2681Ala)

Gene: RYR1 (ryanodine receptor 1; plus strand). Cytogenetic location: 19q13.2.
Variant type: single nucleotide variant.
Coding change: c.8042G>C on transcript NM_000540.3 (MANE Select); coding-DNA position 8042, G replaced by C.
Protein change: p.Gly2681Ala; replaces glycine 2681 with alanine.
Molecular consequence: missense variant.
Genome position (GRCh38, 1-based): chr19:38,504,335, G>C. VCF-style: chr19-38504335-G-C. GRCh37 (hg19) VCF-style: chr19-38994975-G-C.
Other names: c.8042G>C, p.Gly2681Ala (NM_001042723.2); short protein forms G2681A.
Identifiers: ClinVar variation 890932 (VCV000890932.8), dbSNP rs1970341837, ClinGen allele CA405676096.
Genomic context (GRCh38, chr19:38,504,335, plus strand): 5'-GGGCCAACTTCGGGGTCACCTCAGAGGAGGAGCTGCACCTCACACGGAAACTCTTCTGGG[G>C]CATCTTTGACTCTCTGGCCCATAAGGTCTGGGCAGCAGGGAGCCCCAAAATGGCCTATGT-3'
Protein context (NP_000531.2, residues 2671-2691): ELHLTRKLFW[Gly2681Ala]IFDSLAHKKY